The following is an entry in ClinVar:

ClinVar aggregate classification (germline): Uncertain significance (1 of 4 stars; one submission).

gnomAD v4.1: 10 of 1,610,180 alleles (0.00062%); highest among the groups gnomAD compares: East Asian, 0.0022%; no homozygotes.

Submission:

GeneDx
Classification: Uncertain significance. Last evaluated: 2024-08-02. Review status: criteria provided, single submitter. Criteria: GeneDx Variant Classification Process June 2021. Collection method: clinical testing. Allele origin: germline. Affected: yes.
Comment: Not observed at significant frequency in large population cohorts (gnomAD); In silico analysis indicates that this missense variant does not alter protein structure/function; Has not been previously published as pathogenic or benign to our knowledge

NM_001009944.3(PKD1):c.11477G>A (p.Ser3826Asn)

Genes: PKD1 (polycystin 1, transient receptor potential channel interacting; minus strand), PKD1-AS1 (PKD1 antisense RNA 1; plus strand). Cytogenetic location: 16p13.3.
Variant type: single nucleotide variant.
Coding change: c.11477G>A on transcript NM_001009944.3 (MANE Select); coding-DNA position 11477, G replaced by A.
Protein change: p.Ser3826Asn; replaces serine 3826 with asparagine.
Molecular consequence: missense variant.
Genome position (GRCh38, 1-based): chr16:2,091,841, C>T on the plus strand (G>A on the coding strand, the complement: PKD1 is on the minus strand). VCF-style: chr16-2091841-C-T. GRCh37 (hg19) VCF-style: chr16-2141842-C-T.
Other names: c.11474G>A, p.Ser3825Asn (NM_000296.4); short protein forms S3825N, S3826N.
Identifiers: ClinVar variation 3602415 (VCV003602415.1).
Genomic context (GRCh38, chr16:2,091,841, plus strand): 5'-CTGTTGTCCAGCCAGTTGTGCAGCTGCAGGAAGCGCAGCCGGTCGCGGCTCTCCTCCAGG[C>T]TCAGGCCCAGCTCCTGCACGTAGCCCCCGCTGTCATACACGGCACAGGAGCCCCAGGACC-3'
Protein context (NP_001009944.3, residues 3816-3836): SGGYVQELGL[Ser3826Asn]LEESRDRLRF